The following is an entry in ClinVar:

NM_017636.4(TRPM4):c.122G>A (p.Arg41Gln)

Gene: TRPM4 (transient receptor potential cation channel subfamily M member 4; plus strand). Cytogenetic location: 19q13.33.
Variant type: single nucleotide variant.
Coding change: c.122G>A on transcript NM_017636.4 (MANE Select); coding-DNA position 122, G replaced by A.
Protein change: p.Arg41Gln; replaces arginine 41 with glutamine.
Molecular consequence: missense variant. On other transcripts: 5 prime UTR variant (1), intron variant (2).
Genome position (GRCh38, 1-based): chr19:49,166,070, G>A. VCF-style: chr19-49166070-G-A. GRCh37 (hg19) VCF-style: chr19-49669327-G-A.
Other names: c.122G>A, p.Arg41Gln (NM_001195227.2, NM_001321281.2); c.-1251G>A (NM_001321282.2); c.-74-2190G>A (NM_001321283.2); c.-237-2483G>A (NM_001321285.2); short protein forms R41Q.
Identifiers: ClinVar variation 4865969 (VCV004865969.1).

ClinVar aggregate classification (germline): Uncertain significance (1 of 4 stars; one submission).

Conditions:
Cardiovascular phenotype. Identifiers: MedGen CN230736.

gnomAD v4.1: 3 of 1,600,720 alleles (0.00019%); highest among the groups gnomAD compares: East Asian, 0.0045%; no homozygotes.

Submission:

Ambry Genetics
Classification: Uncertain significance for Cardiovascular phenotype. Last evaluated: 2026-03-21. Review status: criteria provided, single submitter. Criteria: Ambry Variant Classification Scheme 2023. Collection method: clinical testing. Allele origin: germline.
Comment: The p.R41Q variant (also known as c.122G>A), located in coding exon 3 of the TRPM4 gene, results from a G to A substitution at nucleotide position 122. The arginine at codon 41 is replaced by glutamine, an amino acid with highly similar properties. This amino acid position is conserved. In addition, this alteration is predicted to be tolerated by in silico analysis. Based on the available evidence, the clinical significance of this variant remains unclear.